The following is an entry in ClinVar:

NM_017654.4(SAMD9):c.3576C>G (p.Tyr1192Ter)

Gene: SAMD9 (sterile alpha motif domain containing 9; minus strand). Cytogenetic location: 7q21.2.
Variant type: single nucleotide variant.
Coding change: c.3576C>G on transcript NM_017654.4 (MANE Select); coding-DNA position 3576, C replaced by G.
Protein change: p.Tyr1192Ter; replaces tyrosine 1192 with a stop codon.
Molecular consequence: nonsense.
Genome position (GRCh38, 1-based): chr7:93,102,522, G>C on the plus strand (C>G on the coding strand, the complement: SAMD9 is on the minus strand). VCF-style: chr7-93102522-G-C. GRCh37 (hg19) VCF-style: chr7-92731835-G-C.
Other names: c.3576C>G, p.Tyr1192Ter (NM_001193307.2); short protein forms Y1192*.
Identifiers: ClinVar variation 1483736 (VCV001483736.1), dbSNP rs1791551431, ClinGen allele CA368184269.
Genomic context (GRCh38, chr7:93,102,522, plus strand): 5'-CTGGAGAATTTGGATTGTGTAAAGCCCAACTTCTATCTCTCCTTGATAACCAGCTATATT[G>C]TAAGTATCATACCGCCTTTTTGACTTCGGATACAATCTTTCCTTCACTTCATACTCTCTA-3'

ClinVar aggregate classification (germline): Uncertain significance (1 of 4 stars; one submission).

gnomAD v4.1: 1 of 1,613,648 alleles (0.000062%); highest among the groups gnomAD compares: Non-Finnish European, 0.000085%; no homozygotes.

Submission:

Labcorp Genetics (formerly Invitae), Labcorp
Classification: Uncertain significance. Last evaluated: 2020-11-16. Review status: criteria provided, single submitter. Criteria: Invitae Variant Classification Sherloc (09022015). Collection method: clinical testing. Allele origin: germline.
Comment: This sequence change creates a premature translational stop signal (p.Tyr1192*) in the SAMD9 gene. While this is not anticipated to result in nonsense mediated decay, it is expected to disrupt the last 398 amino acid(s) of the SAMD9 protein. This variant is not present in population databases (ExAC no frequency). This variant has not been reported in the literature in individuals with SAMD9-related conditions. Algorithms developed to predict the effect of sequence changes on RNA splicing suggest that this variant may create or strengthen a splice site, but this prediction has not been confirmed by published transcriptional studies. In summary, the available evidence is currently insufficient to determine the role of this variant in disease. Therefore, it has been classified as a Variant of Uncertain Significance.